The following is an entry in ClinVar:

NM_032271.3(TRAF7):c.880A>G (p.Thr294Ala)

Gene: TRAF7 (TNF receptor associated factor 7; plus strand). Cytogenetic location: 16p13.3.
Variant type: single nucleotide variant.
Coding change: c.880A>G on transcript NM_032271.3 (MANE Select); coding-DNA position 880, A replaced by G.
Protein change: p.Thr294Ala; replaces threonine 294 with alanine.
Molecular consequence: missense variant.
Genome position (GRCh38, 1-based): chr16:2,173,267, A>G. VCF-style: chr16-2173267-A-G. GRCh37 (hg19) VCF-style: chr16-2223268-A-G.
Other names: short protein forms T294A.
Identifiers: ClinVar variation 3252598 (VCV003252598.1), dbSNP rs2545006497.
Genomic context (GRCh38, chr16:2,173,267, plus strand): 5'-ACTTACGAGACCCACCTGGAGACTTGCCGCTTCGAGGGCCTGAAGGAGTTTCTGCAGCAG[A>G]CGGATGACCGCTTCCACGAGATGCACGTGGCTCTGGCCCAGAAGGACCAGGAGATCGCCT-3'
Protein context (NP_115647.2, residues 284-304): FEGLKEFLQQ[Thr294Ala]DDRFHEMHVA

ClinVar aggregate classification (germline): Uncertain significance (1 of 4 stars; one submission).

Submission:

GeneDx
Classification: Uncertain significance. Last evaluated: 2023-08-16. Review status: criteria provided, single submitter. Criteria: GeneDx Variant Classification Process June 2021. Collection method: clinical testing. Allele origin: germline. Affected: yes.
Comment: Not observed at significant frequency in large population cohorts (gnomAD); In silico analysis supports that this missense variant does not alter protein structure/function; Has not been previously published as pathogenic or benign to our knowledge